The following is an entry in ClinVar:

NM_001429.4(EP300):c.307G>A (p.Val103Ile)

Gene: EP300 (EP300 lysine acetyltransferase; plus strand). Cytogenetic location: 22q13.2.
Variant type: single nucleotide variant.
Coding change: c.307G>A on transcript NM_001429.4 (MANE Select); coding-DNA position 307, G replaced by A.
Protein change: p.Val103Ile; replaces valine 103 with isoleucine.
Molecular consequence: missense variant.
Genome position (GRCh38, 1-based): chr22:41,117,399, G>A. VCF-style: chr22-41117399-G-A. GRCh37 (hg19) VCF-style: chr22-41513403-G-A.
Other names: c.307G>A, p.Val103Ile (NM_001362843.2); short protein forms V103I.
Identifiers: ClinVar variation 578464 (VCV000578464.13), dbSNP rs1193355188, ClinGen allele CA411680243.

ClinVar aggregate classification (germline): Uncertain significance. Review status: criteria provided, multiple submitters, no conflicts (2 of 4 stars). 2 submissions from 2 submitters: Uncertain significance (2). Last evaluated 2019-04-11.

Conditions:
Rubinstein-Taybi syndrome due to EP300 haploinsufficiency. Also called: RUBINSTEIN-TAYBI SYNDROME 2; EP300-Related Rubinstein-Taybi Syndrome. Identifiers: Orphanet 353284, Orphanet 783, MedGen C3150941, MONDO:0013364, OMIM 613684.

Allele frequency attached by ClinVar (database versions not stated): gnomAD 0.00001; TOPMed 0.00002.

Submissions (2):

GeneDx
Classification: Uncertain significance. Last evaluated: 2019-04-11. Review status: criteria provided, single submitter. Criteria: GeneDx Variant Classification Process June 2021. Collection method: clinical testing. Allele origin: germline. Affected: yes.
Comment: Not observed in large population cohorts (Lek et al., 2016); In silico analysis, which includes protein predictors and evolutionary conservation, supports that this variant does not alter protein structure/function; Has not been previously published as pathogenic or benign to our knowledge

Labcorp Genetics (formerly Invitae), Labcorp
Classification: Uncertain significance for Rubinstein-Taybi syndrome due to EP300 haploinsufficiency. Last evaluated: 2018-06-26. Review status: criteria provided, single submitter. Criteria: Invitae Variant Classification Sherloc (09022015). Collection method: clinical testing. Allele origin: germline.
Comment: In summary, the available evidence is currently insufficient to determine the role of this variant in disease. Therefore, it has been classified as a Variant of Uncertain Significance. Algorithms developed to predict the effect of missense changes on protein structure and function (SIFT, Align-GVGD) suggest that this variant is likely to be tolerated, but these predictions have not been confirmed by published functional studies and their clinical significance is uncertain. This variant has not been reported in the literature in individuals with EP300-related disease. This variant is not present in population databases (ExAC no frequency). This sequence change replaces valine with isoleucine at codon 103 of the EP300 protein (p.Val103Ile). The valine residue is weakly conserved and there is a small physicochemical difference between valine and isoleucine.